The following is an entry in ClinVar:

ClinVar aggregate classification (germline): Likely pathogenic (1 of 4 stars; one submission).

Conditions:
Catecholaminergic polymorphic ventricular tachycardia 1. Also called: VENTRICULAR TACHYCARDIA, CATECHOLAMINERGIC POLYMORPHIC, 1, WITH OR WITHOUT ATRIAL DYSFUNCTION AND/OR DILATED CARDIOMYOPATHY; VENTRICULAR TACHYCARDIA, STRESS-INDUCED POLYMORPHIC 1; RYR2-Related Catecholaminergic Polymorphic Ventricular Tachycardia. Identifiers: Orphanet 3286, MedGen C1631597, MONDO:0011484, OMIM 604772.

Submission:

Labcorp Genetics (formerly Invitae), Labcorp
Classification: Likely pathogenic for Catecholaminergic polymorphic ventricular tachycardia 1. Last evaluated: 2018-09-17. Review status: criteria provided, single submitter. Criteria: Invitae Variant Classification Sherloc (09022015). Collection method: clinical testing. Allele origin: germline.
Comment: Algorithms developed to predict the effect of missense changes on protein structure and function are either unavailable or do not agree on the potential impact of this missense change (SIFT: "Deleterious"; PolyPhen-2: "Probably Damaging"; Align-GVGD: "Class C0"). In summary, the currently available evidence indicates that the variant is pathogenic, but additional data are needed to prove that conclusively. Therefore, this variant has been classified as Likely Pathogenic. This variant is not present in population databases (ExAC no frequency). This sequence change replaces isoleucine with leucine at codon 4197 of the RYR2 protein (p.Ile4197Leu). The isoleucine residue is highly conserved and there is a small physicochemical difference between isoleucine and leucine.

NM_001035.3(RYR2):c.12589A>C (p.Ile4197Leu)

Genes: RYR2 (ryanodine receptor 2; plus strand), LOC126806068 (BRD4-independent group 4 enhancer GRCh37_chr1:237947411-237948610; plus strand). Cytogenetic location: 1q43.
Variant type: single nucleotide variant.
Coding change: c.12589A>C on transcript NM_001035.3 (MANE Select); coding-DNA position 12589, A replaced by C.
Protein change: p.Ile4197Leu; replaces isoleucine 4197 with leucine.
Molecular consequence: missense variant.
Genome position (GRCh38, 1-based): chr1:237,784,301, A>C. VCF-style: chr1-237784301-A-C. GRCh37 (hg19) VCF-style: chr1-237947601-A-C.
Other names: c.12589A>C, p.Ile4197Leu (LRG_402t1); short protein forms I4197L.
Identifiers: ClinVar variation 665174 (VCV000665174.10), dbSNP rs765238394, ClinGen allele CA345413693.